The following is an entry in ClinVar:

ClinVar aggregate classification (germline): Uncertain significance (1 of 4 stars; one submission).

Submission:

Greenwood Genetic Center Diagnostic Laboratories, Greenwood Genetic Center
Classification: Uncertain significance. Last evaluated: 2024-06-20. Review status: criteria provided, single submitter. Criteria: ACMG Guidelines, 2015. Collection method: clinical testing. Allele origin: germline. Affected: yes.
Comment: PM2, BP4, PP2

NM_001287491.2(TET3):c.3004C>T (p.Arg1002Cys)

Gene: TET3 (tet methylcytosine dioxygenase 3; plus strand). Cytogenetic location: 2p13.1.
Variant type: single nucleotide variant.
Coding change: c.3004C>T on transcript NM_001287491.2 (MANE Select); coding-DNA position 3004, C replaced by T.
Protein change: p.Arg1002Cys; replaces arginine 1002 with cysteine.
Molecular consequence: missense variant.
Genome position (GRCh38, 1-based): chr2:74,090,012, C>T. VCF-style: chr2-74090012-C-T. GRCh37 (hg19) VCF-style: chr2-74317139-C-T.
Other names: c.2725C>T, p.Arg909Cys (NM_001366022.1); short protein forms R1002C, R909C.
Identifiers: ClinVar variation 3338564 (VCV003338564.1).